The following is an entry in ClinVar:

NM_001367561.1(DOCK7):c.4717A>G (p.Ser1573Gly)

Gene: DOCK7 (dedicator of cytokinesis 7; minus strand). Cytogenetic location: 1p31.3.
Variant type: single nucleotide variant.
Coding change: c.4717A>G on transcript NM_001367561.1 (MANE Select); coding-DNA position 4717, A replaced by G.
Protein change: p.Ser1573Gly; replaces serine 1573 with glycine.
Molecular consequence: missense variant.
Genome position (GRCh38, 1-based): chr1:62,504,677, T>C on the plus strand (A>G on the coding strand, the complement: DOCK7 is on the minus strand). VCF-style: chr1-62504677-T-C. GRCh37 (hg19) VCF-style: chr1-62970348-T-C.
Other names: c.4690A>G, p.Ser1564Gly (NM_001271999.2, NM_001330614.2); c.4597A>G, p.Ser1533Gly (NM_001272000.2, NM_001272001.2); c.4624A>G, p.Ser1542Gly (NM_033407.4); short protein forms S1542G, S1564G, S1533G, S1573G.
Identifiers: ClinVar variation 582554 (VCV000582554.26), dbSNP rs376119113, ClinGen allele CA885625.

ClinVar aggregate classification (germline): Conflicting classifications of pathogenicity. Review status: criteria provided, conflicting classifications (1 of 4 stars). 5 submissions from 5 submitters: Uncertain significance (4); Likely benign (1). Last evaluated 2026-04-01.

Conditions:
DOCK7-related disorder. Also called: DOCK7-related condition.
Developmental and epileptic encephalopathy, 23 (DEE23). Also called: Epileptic encephalopathy, early infantile, 23. Identifiers: Orphanet 411986, MedGen C4014492, MONDO:0014371, OMIM 615859.

Allele frequency attached by ClinVar (database versions not stated): gnomAD 0.00001; gnomAD exomes 0.00002 and 0.00003; ExAC 0.00005; TOPMed 0.00005; ESP Exome Variant Server 0.00008.
gnomAD v4.1: 48 of 1,613,976 alleles (0.003%); highest among the groups gnomAD compares: Middle Eastern, 0.082%; no homozygotes.

Submissions (5):

CeGaT Center for Human Genetics Tuebingen
Classification: Uncertain significance. Last evaluated: 2026-04-01. Review status: criteria provided, single submitter. Criteria: CeGaT Center For Human Genetics Tuebingen Variant Classification Criteria Version 2. Collection method: clinical testing. Allele origin: germline. Affected: yes. Observed: 2 variant alleles.
Comment: DOCK7: PM2

PreventionGenetics, part of Exact Sciences
Classification: Uncertain significance for DOCK7-related condition. Last evaluated: 2025-09-11. Review status: criteria provided, single submitter. Criteria: ACMG Guidelines, 2015. Collection method: clinical testing. Allele origin: germline.
Comment: The DOCK7 c.4690A>G variant is predicted to result in the amino acid substitution p.Ser1564Gly. To our knowledge, this variant has not been reported in the literature. This variant is reported in 0.0053% of alleles in individuals of European (Non-Finnish) descent in gnomAD. At this time, the clinical significance of this variant is uncertain due to the absence of conclusive functional and genetic evidence.

Blueprint Genetics
Classification: Uncertain significance. Last evaluated: 2024-11-25. Review status: criteria provided, single submitter. Criteria: ACMG Guidelines, 2015. Collection method: clinical testing. Allele origin: germline.

3billion
Classification: Likely benign for Developmental and epileptic encephalopathy, 23. Last evaluated: 2024-09-20. Review status: criteria provided, single submitter. Criteria: ACMG Guidelines, 2015. Collection method: clinical testing. Allele origin: germline. Affected: no.
Comment: The homozygous variant was found in patients diagnosed with another variant in a different gene, with no symptoms related to the gene containing the homozygous variant.

Labcorp Genetics (formerly Invitae), Labcorp
Classification: Uncertain significance for Developmental and epileptic encephalopathy, 23. Last evaluated: 2022-08-15. Review status: criteria provided, single submitter. Criteria: Invitae Variant Classification Sherloc (09022015). Collection method: clinical testing. Allele origin: germline.
Comment: This sequence change replaces serine, which is neutral and polar, with glycine, which is neutral and non-polar, at codon 1564 of the DOCK7 protein (p.Ser1564Gly). This variant is present in population databases (rs376119113, gnomAD 0.006%). This missense change has been observed in individual(s) with clinical features of early infantile epileptic encephalopathy (Invitae). ClinVar contains an entry for this variant (Variation ID: 582554). Algorithms developed to predict the effect of missense changes on protein structure and function output the following: SIFT: "Deleterious"; PolyPhen-2: "Possibly Damaging"; Align-GVGD: "Class C0". The glycine amino acid residue is found in multiple mammalian species, which suggests that this missense change does not adversely affect protein function. In summary, the available evidence is currently insufficient to determine the role of this variant in disease. Therefore, it has been classified as a Variant of Uncertain Significance.